The following is an entry in ClinVar:

ClinVar aggregate classification (germline): Pathogenic (1 of 4 stars; one submission).

Submission:

GeneDx
Classification: Pathogenic. Last evaluated: 2019-01-24. Review status: criteria provided, single submitter. Criteria: GeneDx Variant Classification (06012015). Collection method: clinical testing. Allele origin: germline. Affected: yes.
Comment: The c.373dupA variant in the DDX3X gene has not been reported previously as a pathogenic variant nor as a benign variant, to our knowledge. The c.373dupA variant causes a frameshift starting with codon Serine 125, changes this amino acid to a Lysine residue, and creates a premature Stop codon at position 5 of the new reading frame, denoted p.Ser125LysfsX5. This variant is predicted to cause loss of normal protein function either through protein truncation or nonsense-mediated mRNA decay. The c.373dupA variant is not observed in large population cohorts (Lek et al., 2016). We interpret c.373dupA as a pathogenic variant.

NM_001356.5(DDX3X):c.373dup (p.Ser125fs)

Gene: DDX3X (DEAD-box helicase 3 X-linked; plus strand). Cytogenetic location: Xp11.4.
Variant type: Duplication.
Coding change: c.373dup on transcript NM_001356.5 (MANE Select); coding-DNA position 373, one base duplicated (A; older notation c.373dupA).
Protein change: p.Ser125fs; shifts the reading frame from serine 125.
Molecular consequence: frameshift variant. On other transcripts: 5 prime UTR variant (1), non-coding transcript variant (1).
Genome position (GRCh38, 1-based): chrX:41,342,583, A duplicated. VCF-style (leftmost placement, unchanged base first): chrX-41342582-C-CA. GRCh37 (hg19) VCF-style: chrX-41201835-C-CA.
Other names: c.373dup, p.Ser125fs (NM_001193416.3); c.325dup, p.Ser109fs (NM_001193417.3); c.-186dup (NM_001363819.1); short protein forms S109fs, S125fs.
Identifiers: ClinVar variation 817971 (VCV000817971.1), dbSNP rs1602129221, ClinGen allele CA915950992.